The following is an entry in ClinVar:

ClinVar aggregate classification (germline): Uncertain significance. Review status: criteria provided, multiple submitters, no conflicts (2 of 4 stars). 2 submissions from 2 submitters: Uncertain significance (2). Last evaluated 2023-12-07.

Conditions:
Severe combined immunodeficiency due to DNA-PKcs deficiency. Also called: IMMUNODEFICIENCY 26 WITH NEUROLOGIC ABNORMALITIES; Immunodeficiency 26 with or without neurologic abnormalities. Identifiers: Orphanet 317425, MedGen C4014833, MONDO:0014423, OMIM 615966.

Submissions (2):

Labcorp Genetics (formerly Invitae), Labcorp
Classification: Uncertain significance for Severe combined immunodeficiency due to DNA-PKcs deficiency. Last evaluated: 2023-12-07. Review status: criteria provided, single submitter. Criteria: Invitae Variant Classification Sherloc (09022015). Collection method: clinical testing. Allele origin: germline.
Comment: This sequence change replaces alanine, which is neutral and non-polar, with threonine, which is neutral and polar, at codon 1130 of the PRKDC protein (p.Ala1130Thr). This variant is not present in population databases (gnomAD no frequency). This variant has not been reported in the literature in individuals affected with PRKDC-related conditions. ClinVar contains an entry for this variant (Variation ID: 1976446). Advanced modeling of protein sequence and biophysical properties (such as structural, functional, and spatial information, amino acid conservation, physicochemical variation, residue mobility, and thermodynamic stability) performed at Invitae indicates that this missense variant is not expected to disrupt PRKDC protein function with a negative predictive value of 80%. In summary, the available evidence is currently insufficient to determine the role of this variant in disease. Therefore, it has been classified as a Variant of Uncertain Significance.

Ambry Genetics
Classification: Uncertain significance. Last evaluated: 2022-12-11. Review status: criteria provided, single submitter. Criteria: Ambry Variant Classification Scheme 2023. Collection method: clinical testing. Allele origin: germline.
Comment: The p.A1130T variant (also known as c.3388G>A), located in coding exon 29 of the PRKDC gene, results from a G to A substitution at nucleotide position 3388. The alanine at codon 1130 is replaced by threonine, an amino acid with similar properties. This amino acid position is conserved. In addition, this alteration is predicted to be tolerated by in silico analysis. Since supporting evidence is limited at this time, the clinical significance of this alteration remains unclear.

NM_006904.7(PRKDC):c.3388G>A (p.Ala1130Thr)

Gene: PRKDC (protein kinase, DNA-activated, catalytic subunit; minus strand). Cytogenetic location: 8q11.21.
Variant type: single nucleotide variant.
Coding change: c.3388G>A on transcript NM_006904.7 (MANE Select); coding-DNA position 3388, G replaced by A.
Protein change: p.Ala1130Thr; replaces alanine 1130 with threonine.
Molecular consequence: missense variant.
Genome position (GRCh38, 1-based): chr8:47,898,546, C>T on the plus strand (G>A on the coding strand, the complement: PRKDC is on the minus strand). VCF-style: chr8-47898546-C-T. GRCh37 (hg19) VCF-style: chr8-48811106-C-T.
Other names: c.3388G>A, p.Ala1130Thr (NM_001081640.2); short protein forms A1130T.
Identifiers: ClinVar variation 1976446 (VCV001976446.5), dbSNP rs749856389, ClinGen allele CA371154762.